The following is an entry in ClinVar:

ClinVar aggregate classification (germline): Likely benign (1 of 4 stars; one submission).

Submission:

CeGaT Center for Human Genetics Tuebingen
Classification: Likely benign. Last evaluated: 2025-06-01. Review status: criteria provided, single submitter. Criteria: CeGaT Center For Human Genetics Tuebingen Variant Classification Criteria Version 2. Collection method: clinical testing. Allele origin: germline. Affected: yes. Observed: 1 variant allele.
Comment: TEDC2: BP4, BP7

NM_025108.3(TEDC2):c.360C>T (p.Ser120=)

Gene: TEDC2 (tubulin epsilon and delta complex 2; plus strand). Cytogenetic location: 16p13.3.
Variant type: single nucleotide variant.
Coding change: c.360C>T on transcript NM_025108.3 (MANE Select); coding-DNA position 360, C replaced by T.
Protein change: p.Ser120=; no amino-acid change (serine 120 retained).
Molecular consequence: synonymous variant.
Genome position (GRCh38, 1-based): chr16:2,460,979, C>T. VCF-style: chr16-2460979-C-T. GRCh37 (hg19) VCF-style: chr16-2510980-C-T.
Identifiers: ClinVar variation 3905047 (VCV003905047.10).